The following is an entry in ClinVar:

NM_000038.6(APC):c.7315C>T (p.Arg2439Cys)

Gene: APC (APC regulator of Wnt signaling pathway; plus strand). Cytogenetic location: 5q22.2.
Variant type: single nucleotide variant.
Coding change: c.7315C>T on transcript NM_000038.6 (MANE Select); coding-DNA position 7315, C replaced by T.
Protein change: p.Arg2439Cys; replaces arginine 2439 with cysteine.
Molecular consequence: missense variant.
Genome position (GRCh38, 1-based): chr5:112,842,909, C>T. VCF-style: chr5-112842909-C-T. GRCh37 (hg19) VCF-style: chr5-112178606-C-T.
Other names: c.7315C>T, p.Arg2439Cys (NM_001127510.3, NM_001354895.2); c.7261C>T, p.Arg2421Cys (NM_001127511.3); c.7369C>T, p.Arg2457Cys (NM_001354896.2); c.7345C>T, p.Arg2449Cys (NM_001354897.2); c.7240C>T, p.Arg2414Cys (NM_001354898.2); c.7231C>T, p.Arg2411Cys (NM_001354899.2); c.7192C>T, p.Arg2398Cys (NM_001354900.2); c.7138C>T, p.Arg2380Cys (NM_001354901.2); and 5 more; short protein forms R2421C, R2439C, R2457C, R2398C, R2414C, R2279C, R2313C, R2449C.
Identifiers: ClinVar variation 537434 (VCV000537434.17), dbSNP rs1311878041, ClinGen allele CA16037261.
Genomic context (GRCh38, chr5:112,842,909, plus strand): 5'-ATGTCTTCAACTAAATCAAGTGGAAGTGAATCTGATAGATCAGAAAGACCTGTATTAGTA[C>T]GCCAGTCAACTTTCATCAAAGAAGCTCCAAGCCCAACCTTAAGAAGAAAATTGGAGGAAT-3'
Protein context (NP_000029.2, residues 2429-2449): SDRSERPVLV[Arg2439Cys]QSTFIKEAPS

ClinVar aggregate classification (germline): Uncertain significance. Review status: criteria provided, multiple submitters, no conflicts (2 of 4 stars). 3 submissions from 3 submitters: Uncertain significance (3). Last evaluated 2025-12-22.

Conditions:
Familial adenomatous polyposis 1 (FAP1). Also called: FAMILIAL ADENOMATOUS POLYPOSIS 1, ATTENUATED; POLYPOSIS, ADENOMATOUS INTESTINAL. Identifiers: MedGen C2713442, MONDO:0021056, OMIM 175100. Disease mechanism: loss of function.
Hereditary cancer-predisposing syndrome. Also called: Tumor predisposition; Hereditary Cancer Syndrome; Hereditary neoplastic syndrome; Neoplastic Syndromes, Hereditary. Identifiers: Orphanet 140162, MedGen C0027672, MeSH D009386, MONDO:0015356.

Allele frequency attached by ClinVar (database versions not stated): gnomAD exomes below 0.00001; TOPMed below 0.00001; gnomAD 0.00001.
gnomAD v4.1: 8 of 1,613,878 alleles (0.0005%); highest among the groups gnomAD compares: Non-Finnish European, 0.00034%; no homozygotes.

Submissions (3):

Labcorp Genetics (formerly Invitae), Labcorp
Classification: Uncertain significance for Familial adenomatous polyposis 1. Last evaluated: 2025-12-22. Review status: criteria provided, single submitter. Criteria: Invitae Variant Classification Sherloc (09022015). Collection method: clinical testing. Allele origin: germline.
Comment: This sequence change replaces arginine, which is basic and polar, with cysteine, which is neutral and slightly polar, at codon 2439 of the APC protein (p.Arg2439Cys). This variant is present in population databases (no rsID available, gnomAD 0.004%). This variant has not been reported in the literature in individuals affected with APC-related conditions. ClinVar contains an entry for this variant (Variation ID: 537434). Invitae Evidence Modeling of protein sequence and biophysical properties (such as structural, functional, and spatial information, amino acid conservation, physicochemical variation, residue mobility, and thermodynamic stability) indicates that this missense variant is not expected to disrupt APC protein function with a negative predictive value of 95%. In summary, the available evidence is currently insufficient to determine the role of this variant in disease. Therefore, it has been classified as a Variant of Uncertain Significance.

Ambry Genetics
Classification: Uncertain significance for Hereditary cancer-predisposing syndrome. Last evaluated: 2024-12-09. Review status: criteria provided, single submitter. Criteria: Ambry Variant Classification Scheme 2023. Collection method: clinical testing. Allele origin: germline.
Comment: The p.R2439C variant (also known as c.7315C>T), located in coding exon 15 of the APC gene, results from a C to T substitution at nucleotide position 7315. The arginine at codon 2439 is replaced by cysteine, an amino acid with highly dissimilar properties. This amino acid position is highly conserved in available vertebrate species. In addition, in silico predictors for this gene do not accurately predict pathogenicity. Since supporting evidence is limited at this time, the clinical significance of this alteration remains unclear.

Baylor Genetics
Classification: Uncertain significance for Familial adenomatous polyposis 1. Last evaluated: 2024-01-23. Review status: criteria provided, single submitter. Criteria: ACMG Guidelines, 2015. Collection method: clinical testing. Allele origin: unknown.